The following is an entry in ClinVar:

NM_002834.5(PTPN11):c.854-19T>G

Gene: PTPN11 (protein tyrosine phosphatase non-receptor type 11; plus strand). Cytogenetic location: 12q24.13.
Variant type: single nucleotide variant.
Coding change: c.854-19T>G on transcript NM_002834.5 (MANE Select); 19 bases into the intron before coding-DNA position 854, T replaced by G.
Molecular consequence: intron variant.
Genome position (GRCh38, 1-based): chr12:112,477,632, T>G. VCF-style: chr12-112477632-T-G. GRCh37 (hg19) VCF-style: chr12-112915436-T-G.
Other names: c.854-19T>G (NM_001330437.2, NM_080601.3); c.851-19T>G (NM_001374625.1).
Identifiers: ClinVar variation 508769 (VCV000508769.9), dbSNP rs751780145, ClinGen allele CA6798668.

ClinVar aggregate classification (germline): Likely benign. Review status: criteria provided, multiple submitters, no conflicts (2 of 4 stars). 3 submissions from 3 submitters: Likely benign (3). Last evaluated 2026-01-05.

Conditions:
RASopathy. Also called: rasopathies; Noonan spectrum disorder. Identifiers: Orphanet 536391, MedGen C5555857, MONDO:0021060.

Allele frequency attached by ClinVar (database versions not stated): TOPMed 0.00002; gnomAD 0.00003 and 0.00004; gnomAD exomes 0.00006; ExAC 0.00007.
gnomAD v4.1: 59 of 1,590,594 alleles (0.0037%); highest among the groups gnomAD compares: Non-Finnish European, 0.0037%; no homozygotes.

Submissions (3):

Labcorp Genetics (formerly Invitae), Labcorp
Classification: Likely benign for RASopathy. Last evaluated: 2026-01-05. Review status: criteria provided, single submitter. Criteria: Invitae Variant Classification Sherloc (09022015). Collection method: clinical testing. Allele origin: germline.

Blueprint Genetics
Classification: Likely benign. Last evaluated: 2024-04-05. Review status: criteria provided, single submitter. Criteria: ACMG Guidelines, 2015. Collection method: clinical testing. Allele origin: germline.

GeneDx
Classification: Likely benign. Last evaluated: 2017-04-06. Review status: criteria provided, single submitter. Criteria: GeneDx Variant Classification (06012015). Collection method: clinical testing. Allele origin: germline. Affected: yes.
Comment: This variant is considered likely benign or benign based on one or more of the following criteria: it is a conservative change, it occurs at a poorly conserved position in the protein, it is predicted to be benign by multiple in silico algorithms, and/or has population frequency not consistent with disease.